The following is an entry in ClinVar:

ClinVar aggregate classification (germline): Uncertain significance (1 of 4 stars; one submission).

Allele frequency attached by ClinVar (database versions not stated): gnomAD exomes below 0.00001.

Submission:

Labcorp Genetics (formerly Invitae), Labcorp
Classification: Uncertain significance. Last evaluated: 2022-06-02. Review status: criteria provided, single submitter. Criteria: Invitae Variant Classification Sherloc (09022015). Collection method: clinical testing. Allele origin: germline.
Comment: This sequence change creates a premature translational stop signal (p.Thr244Glnfs*55) in the MYLK3 gene. It is expected to result in an absent or disrupted protein product. However, the current clinical and genetic evidence is not sufficient to establish whether loss-of-function variants in MYLK3 cause disease. This variant is not present in population databases (gnomAD no frequency). In summary, the available evidence is currently insufficient to determine the role of this variant in disease. Therefore, it has been classified as a Variant of Uncertain Significance. This variant has not been reported in the literature in individuals affected with MYLK3-related conditions.

NM_182493.3(MYLK3):c.726del (p.Thr244fs)

Gene: MYLK3 (myosin light chain kinase 3; minus strand). Cytogenetic location: 16q11.2.
Variant type: Deletion.
Coding change: c.726del on transcript NM_182493.3 (MANE Select); coding-DNA position 726, one base deleted (G; older notation c.726delG).
Protein change: p.Thr244fs; shifts the reading frame from threonine 244.
Molecular consequence: frameshift variant. On other transcripts: intron variant (1).
Genome position (GRCh38, 1-based): chr16:46,737,986, C deleted on the plus strand (G on the coding strand, the reverse complement: MYLK3 is on the minus strand). VCF-style (leftmost placement, unchanged base first): chr16-46737985-GC-G. GRCh37 (hg19) VCF-style: chr16-46771897-GC-G.
Other names: c.-23+2071del (NM_001308301.1); short protein forms T244fs.
Identifiers: ClinVar variation 2001922 (VCV002001922.4), dbSNP rs2548908033, ClinGen allele CA2580091556.